The following is an entry in ClinVar:

ClinVar aggregate classification (germline): Likely benign (1 of 4 stars; one submission).

Conditions:
Catecholaminergic polymorphic ventricular tachycardia (CVPT). Also called: Catecholamine-induced polymorphic ventricular tachycardia. Identifiers: Orphanet 3286, MedGen C5574922, MONDO:0017990.

Allele frequency attached by ClinVar (database versions not stated): gnomAD 0.00001; gnomAD exomes 0.00001.
gnomAD v4.1: 10 of 1,604,362 alleles (0.00062%); highest among the groups gnomAD compares: Non-Finnish European, 0.00085%; no homozygotes.

Submission:

All of Us Research Program, National Institutes of Health
Classification: Likely benign for Catecholaminergic polymorphic ventricular tachycardia. Last evaluated: 2023-12-01. Review status: criteria provided, single submitter. Criteria: ACMG Guidelines, 2015. Collection method: clinical testing. Allele origin: germline. Inheritance: Autosomal dominant inheritance. Observed: 2 variant alleles, 2 heterozygotes.
Comment: This study involves interpretation of variants in research participants for the purpose of population health screening. Participant phenotype was not available at the time of variant classification. Additional details can be found in publication PMID: 35346344, PMCID: PMC8962531

NM_001035.3(RYR2):c.10560G>A (p.Glu3520=)

Gene: RYR2 (ryanodine receptor 2; plus strand). Cytogenetic location: 1q43.
Variant type: single nucleotide variant.
Coding change: c.10560G>A on transcript NM_001035.3 (MANE Select); coding-DNA position 10560, G replaced by A.
Protein change: p.Glu3520=; no amino-acid change (glutamic acid 3520 retained).
Molecular consequence: synonymous variant.
Genome position (GRCh38, 1-based): chr1:237,723,133, G>A. VCF-style: chr1-237723133-G-A. GRCh37 (hg19) VCF-style: chr1-237886433-G-A.
Identifiers: ClinVar variation 3073078 (VCV003073078.1), dbSNP rs1689891752, ClinGen allele CA423820278.
Genomic context (GRCh38, chr1:237,723,133, plus strand): 5'-AACCTTGTTTTTAGATTCCCATCTTCCCATTGTAACCTTTTCCTTTTTTCTGCAGTTGGA[G>A]GATCCTGCTATTAGATGGCAAATGGCTCTTTACAAAGACTTACCAAACAGGACTGATGAT-3'
Protein context (NP_001026.2, residues 3510-3530): RSNIHLQGKL[Glu3520=]DPAIRWQMAL